The following is an entry in ClinVar:

ClinVar aggregate classification (germline): Uncertain significance. Review status: criteria provided, multiple submitters, no conflicts (2 of 4 stars). 3 submissions from 3 submitters: Uncertain significance (3). Last evaluated 2026-02-18.

Conditions:
Familial cancer of breast. Also called: Hereditary breast cancer; BREAST CANCER, FAMILIAL; hereditary breast carcinoma. Identifiers: Orphanet 227535, MedGen C0346153, MONDO:0016419, OMIM 114480. Disease mechanism: loss of function.
Hereditary cancer-predisposing syndrome. Also called: Neoplastic Syndromes, Hereditary; Hereditary neoplastic syndrome; Tumor predisposition; Hereditary Cancer Syndrome. Identifiers: Orphanet 140162, MedGen C0027672, MeSH D009386, MONDO:0015356.

Submissions (3):

Ambry Genetics
Classification: Uncertain significance for Hereditary cancer-predisposing syndrome. Last evaluated: 2026-02-18. Review status: criteria provided, single submitter. Criteria: Ambry Variant Classification Scheme 2023. Collection method: clinical testing. Allele origin: germline.
Comment: The p.T250I variant (also known as c.749C>T), located in coding exon 6 of the BRIP1 gene, results from a C to T substitution at nucleotide position 749. The threonine at codon 250 is replaced by isoleucine, an amino acid with similar properties. This amino acid position is conserved. In addition, this alteration is predicted to be deleterious by in silico analysis. Based on the available evidence, the clinical significance of this variant remains unclear.

Color Diagnostics, LLC DBA Color Health
Classification: Uncertain significance for Hereditary cancer-predisposing syndrome. Last evaluated: 2024-03-06. Review status: criteria provided, single submitter. Criteria: ACMG Guidelines, 2015. Collection method: clinical testing. Allele origin: germline.
Comment: This missense variant replaces threonine with isoleucine at codon 250 of the BRIP1 protein. Computational prediction suggests that this variant may have deleterious impact on protein structure and function (internally defined REVEL score threshold >= 0.7, PMID: 27666373). Splice site prediction tools suggest that this variant may not impact RNA splicing. To our knowledge, functional studies have not been performed for this variant. This variant has not been reported in individuals affected with hereditary cancer in the literature. This variant has not been identified in the general population by the Genome Aggregation Database (gnomAD). The available evidence is insufficient to determine the role of this variant in disease conclusively. Therefore, this variant is classified as a Variant of Uncertain Significance.

Baylor Genetics
Classification: Uncertain significance for Familial cancer of breast. Last evaluated: 2023-12-28. Review status: criteria provided, single submitter. Criteria: ACMG Guidelines, 2015. Collection method: clinical testing. Allele origin: unknown.

NM_032043.3(BRIP1):c.749C>T (p.Thr250Ile)

Gene: BRIP1 (BRCA1 interacting DNA helicase 1; minus strand). Cytogenetic location: 17q23.2.
Variant type: single nucleotide variant.
Coding change: c.749C>T on transcript NM_032043.3 (MANE Select); coding-DNA position 749, C replaced by T.
Protein change: p.Thr250Ile; replaces threonine 250 with isoleucine.
Molecular consequence: missense variant.
Genome position (GRCh38, 1-based): chr17:61,808,636, G>A on the plus strand (C>T on the coding strand, the complement: BRIP1 is on the minus strand). VCF-style: chr17-61808636-G-A. GRCh37 (hg19) VCF-style: chr17-59885997-G-A.
Other names: short protein forms T250I.
Identifiers: ClinVar variation 631070 (VCV000631070.7), dbSNP rs1555609275, ClinGen allele CA400484989.